The following is an entry in ClinVar:

ClinVar aggregate classification (germline): Uncertain significance. Review status: criteria provided, multiple submitters, no conflicts (2 of 4 stars). 2 submissions from 2 submitters: Uncertain significance (2). Last evaluated 2025-07-30.

Conditions:
Neuronal ceroid lipofuscinosis. Also called: Neuronal Ceroid Lipofuscinoses. Identifiers: Orphanet 216, Orphanet 79263, MedGen C0027877, MONDO:0016295. Disease mechanism: loss of function.

Allele frequency attached by ClinVar (database versions not stated): TOPMed below 0.00001; gnomAD 0.00001; ExAC 0.00003.

Submissions (2):

Labcorp Genetics (formerly Invitae), Labcorp
Classification: Uncertain significance for Neuronal ceroid lipofuscinosis. Last evaluated: 2025-07-30. Review status: criteria provided, single submitter. Criteria: Invitae Variant Classification Sherloc (09022015). Collection method: clinical testing. Allele origin: germline.
Comment: This sequence change replaces glycine, which is neutral and non-polar, with glutamic acid, which is acidic and polar, at codon 196 of the DNAJC5 protein (p.Gly196Glu). The frequency data for this variant in the population databases is considered unreliable, as metrics indicate poor data quality at this position in the gnomAD database. This variant has not been reported in the literature in individuals affected with DNAJC5-related conditions. ClinVar contains an entry for this variant (Variation ID: 2971304). An algorithm developed to predict the effect of missense changes on protein structure and function (PolyPhen-2) suggests that this variant is likely to be tolerated. In summary, the available evidence is currently insufficient to determine the role of this variant in disease. Therefore, it has been classified as a Variant of Uncertain Significance.

Blueprint Genetics
Classification: Uncertain significance. Last evaluated: 2022-04-02. Review status: criteria provided, single submitter. Criteria: ACMG Guidelines, 2015. Collection method: clinical testing. Allele origin: germline.

NM_025219.3(DNAJC5):c.587G>A (p.Gly196Glu)

Gene: DNAJC5 (DnaJ heat shock protein family (Hsp40) member C5; plus strand). Cytogenetic location: 20q13.33.
Variant type: single nucleotide variant.
Coding change: c.587G>A on transcript NM_025219.3 (MANE Select); coding-DNA position 587, G replaced by A.
Protein change: p.Gly196Glu; replaces glycine 196 with glutamic acid.
Molecular consequence: missense variant.
Genome position (GRCh38, 1-based): chr20:63,931,558, G>A. VCF-style: chr20-63931558-G-A. GRCh37 (hg19) VCF-style: chr20-62562911-G-A.
Other names: short protein forms G196E.
Identifiers: ClinVar variation 2971304 (VCV002971304.4), dbSNP rs756715630, ClinGen allele CA9969814.